The following is an entry in ClinVar:

ClinVar aggregate classification (germline): Likely benign (0 of 4 stars; one submission).

Conditions:
DNAH8-related disorder. Also called: DNAH8-related condition.

Submission:

PreventionGenetics, part of Exact Sciences
Classification: Likely benign for DNAH8-related condition. Last evaluated: 2019-04-05. Review status: no assertion criteria provided. Collection method: clinical testing. Allele origin: germline.
Comment: This variant is classified as likely benign based on ACMG/AMP sequence variant interpretation guidelines (Richards et al. 2015 PMID: 25741868, with internal and published modifications).

NM_001206927.2(DNAH8):c.6888A>G (p.Gln2296=)

Gene: DNAH8 (dynein axonemal heavy chain 8; plus strand). Cytogenetic location: 6p21.2.
Variant type: single nucleotide variant.
Coding change: c.6888A>G on transcript NM_001206927.2 (MANE Select); coding-DNA position 6888, A replaced by G.
Protein change: p.Gln2296=; no amino-acid change (glutamine 2296 retained).
Molecular consequence: synonymous variant.
Genome position (GRCh38, 1-based): chr6:38,870,460, A>G. VCF-style: chr6-38870460-A-G. GRCh37 (hg19) VCF-style: chr6-38838236-A-G.
Other names: c.6237A>G, p.Gln2079= (NM_001371.4).
Identifiers: ClinVar variation 3058177 (VCV003058177.2), dbSNP rs2533069472, ClinGen allele CA450003221.